The following is an entry in ClinVar:

NM_000090.4(COL3A1):c.2008G>T (p.Ala670Ser)

Gene: COL3A1 (collagen type III alpha 1 chain; plus strand). Cytogenetic location: 2q32.2.
Variant type: single nucleotide variant.
Coding change: c.2008G>T on transcript NM_000090.4 (MANE Select); coding-DNA position 2008, G replaced by T.
Protein change: p.Ala670Ser; replaces alanine 670 with serine.
Molecular consequence: missense variant.
Genome position (GRCh38, 1-based): chr2:188,998,704, G>T. VCF-style: chr2-188998704-G-T. GRCh37 (hg19) VCF-style: chr2-189863430-G-T.
Other names: short protein forms A670S.
Identifiers: ClinVar variation 3893778 (VCV003893778.1).

ClinVar aggregate classification (germline): Uncertain significance (1 of 4 stars; one submission).

Conditions:
Familial thoracic aortic aneurysm and aortic dissection (TAAD). Also called: Thoracic aortic aneurysms and dissections. Identifiers: Orphanet 91387, MedGen C4707243, MONDO:0019625.

Submission:

Color Diagnostics, LLC DBA Color Health
Classification: Uncertain significance for Familial thoracic aortic aneurysm and aortic dissection. Last evaluated: 2024-04-15. Review status: criteria provided, single submitter. Criteria: ACMG Guidelines, 2015. Collection method: clinical testing. Allele origin: germline.
Comment: This missense variant replaces alanine with serine at codon 670 of the COL3A1 protein. Computational prediction suggests that this variant may not impact protein structure and function (internally defined REVEL score threshold <= 0.5, PMID: 27666373). To our knowledge, functional studies have not been reported for this variant. This variant has not been reported in individuals affected with COL3A1-related disorders in the literature. This variant has not been identified in the general population by the Genome Aggregation Database (gnomAD). The available evidence is insufficient to determine the role of this variant in disease conclusively. Therefore, this variant is classified as a Variant of Uncertain Significance.